The following is an entry in ClinVar:

NM_001330700.2(TOP2B):c.4489+4T>C

Gene: TOP2B (DNA topoisomerase II beta; minus strand). Cytogenetic location: 3p24.2.
Variant type: single nucleotide variant.
Coding change: c.4489+4T>C on transcript NM_001330700.2 (MANE Select); 4 bases into the intron after coding-DNA position 4489, T replaced by C.
Molecular consequence: intron variant.
Genome position (GRCh38, 1-based): chr3:25,604,756, A>G on the plus strand (T>C on the coding strand, the complement: TOP2B is on the minus strand). VCF-style: chr3-25604756-A-G. GRCh37 (hg19) VCF-style: chr3-25646247-A-G.
Other names: c.4474+4T>C (NM_001068.3).
Identifiers: ClinVar variation 3653345 (VCV003653345.2).
Genomic context (GRCh38, chr3:25,604,756, plus strand): 5'-TACATTTCCTTTTACATTAACTATCTCTATCCAATGCTTAACTCAATCAAATATAAGTAC[A>G]TACCCTTTTTAGCAGCTACCGTTTTACTTGGAACTTTATCTGTCTGTTTCAGACCAAATG-3'

ClinVar aggregate classification (germline): Uncertain significance (1 of 4 stars; one submission).

gnomAD v4.1: 4 of 1,599,932 alleles (0.00025%); highest among the groups gnomAD compares: Non-Finnish European, 0.00034%; no homozygotes.

Submission:

Labcorp Genetics (formerly Invitae), Labcorp
Classification: Uncertain significance. Last evaluated: 2024-05-14. Review status: criteria provided, single submitter. Criteria: Invitae Variant Classification Sherloc (09022015). Collection method: clinical testing. Allele origin: germline.
Comment: This sequence change falls in intron 33 of the TOP2B gene. It does not directly change the encoded amino acid sequence of the TOP2B protein. It affects a nucleotide within the consensus splice site. This variant is not present in population databases (gnomAD no frequency). This variant has not been reported in the literature in individuals affected with TOP2B-related conditions. Variants that disrupt the consensus splice site are a relatively common cause of aberrant splicing (PMID: 17576681, 9536098). Algorithms developed to predict the effect of sequence changes on RNA splicing suggest that this variant is not likely to affect RNA splicing. In summary, the available evidence is currently insufficient to determine the role of this variant in disease. Therefore, it has been classified as a Variant of Uncertain Significance.

Literature cited by the submitters: PubMed 17576681; PubMed 9536098.